The following is an entry in ClinVar:

NM_005629.4(SLC6A8):c.1890G>C (p.Val630=)

Gene: SLC6A8 (solute carrier family 6 member 8; plus strand). Cytogenetic location: Xq28.
Variant type: single nucleotide variant.
Coding change: c.1890G>C on transcript NM_005629.4 (MANE Select); coding-DNA position 1890, G replaced by C.
Protein change: p.Val630=; no amino-acid change (valine 630 retained).
Molecular consequence: synonymous variant.
Genome position (GRCh38, 1-based): chrX:153,695,196, G>C. VCF-style: chrX-153695196-G-C. GRCh37 (hg19) VCF-style: chrX-152960651-G-C.
Other names: c.1860G>C, p.Val620= (NM_001142805.2); c.1545G>C, p.Val515= (NM_001142806.1).
Identifiers: ClinVar variation 212214 (VCV000212214.62), dbSNP rs376385129, ClinGen allele CA205330.

ClinVar aggregate classification (germline): Benign/Likely benign. Review status: criteria provided, multiple submitters, no conflicts (2 of 4 stars). 9 submissions from 9 submitters: Benign (1); Likely benign (5). 3 of the submissions do not count toward it. Last evaluated 2026-02-02.

Conditions:
SLC6A8-related disorder. Also called: SLC6A8-related condition.
Inborn genetic diseases. Identifiers: MedGen C0950123, MeSH D030342.
Creatine transporter deficiency (CCDS1). Also called: Creatine Transporter (CRTR) Deficiency; Mental retardation , X-linked with seizures, short stature and midface hypoplasia; Mental retardation , X-linked, with creatine transport deficiency; X-linked creatine transporter deficiency; X-linked creatine deficiency syndrome; SLC6A8-Related Creatine Transporter Deficiency. Identifiers: Orphanet 52503, MedGen C1845862, MONDO:0010305, OMIM 300352.

Allele frequency attached by ClinVar (database versions not stated): gnomAD exomes 0.00006 and 0.00019; 1000 Genomes Project 30x 0.00021; gnomAD 0.00023; 1000 Genomes Project 0.00026; TOPMed 0.00030; ExAC 0.00041.
gnomAD v4.1: 218 of 1,184,274 alleles (0.018%); highest among the groups gnomAD compares: East Asian, 0.16%; 6 homozygotes.

Submissions (9):

Labcorp Genetics (formerly Invitae), Labcorp
Classification: Benign for Creatine transporter deficiency. Last evaluated: 2026-02-02. Review status: criteria provided, single submitter. Criteria: Invitae Variant Classification Sherloc (09022015). Collection method: clinical testing. Allele origin: germline.

Blueprint Genetics
Classification: Likely benign. Last evaluated: 2024-10-28. Review status: criteria provided, single submitter. Criteria: ACMG Guidelines, 2015. Collection method: clinical testing. Allele origin: germline.

GeneDx
Classification: Likely benign. Last evaluated: 2020-08-14. Review status: criteria provided, single submitter. Criteria: GeneDx Variant Classification Process June 2021. Collection method: clinical testing. Allele origin: germline. Affected: yes.
Comment: This variant is associated with the following publications: (PMID: 18461508)

CeGaT Center for Human Genetics Tuebingen
Classification: Likely benign. Last evaluated: 2018-01-01. Review status: criteria provided, single submitter. Criteria: CeGaT Center For Human Genetics Tuebingen Variant Classification Criteria Version 2. Collection method: clinical testing. Allele origin: germline. Affected: yes. Observed: 1 variant allele.

Ambry Genetics
Classification: Likely benign for Inborn genetic diseases. Last evaluated: 2017-06-30. Review status: criteria provided, single submitter. Criteria: Ambry Variant Classification Scheme 2023. Collection method: clinical testing. Allele origin: germline.

Genetic Services Laboratory, University of Chicago
Classification: Likely benign. Last evaluated: 2016-02-01. Review status: criteria provided, single submitter. Criteria: ACMG Guidelines, 2015. Collection method: clinical testing. Allele origin: germline. Affected: no.

PreventionGenetics, part of Exact Sciences
Classification: Likely benign for SLC6A8-related condition. Last evaluated: 2023-10-24. Review status: no assertion criteria provided. Collection method: clinical testing. Allele origin: germline. Not counted in ClinVar's aggregate classification.
Comment: This variant is classified as likely benign based on ACMG/AMP sequence variant interpretation guidelines (Richards et al. 2015 PMID: 25741868, with internal and published modifications).

Clinical Genetics DNA and cytogenetics Diagnostics Lab, Erasmus MC, Erasmus Medical Center
Classification: Likely benign. Review status: no assertion criteria provided. Collection method: clinical testing. Allele origin: germline. Affected: yes. Study: VKGL Data-share Consensus. Not counted in ClinVar's aggregate classification.

Genome Diagnostics Laboratory, University Medical Center Utrecht
Classification: Likely benign. Review status: no assertion criteria provided. Collection method: clinical testing. Allele origin: germline. Affected: yes. Study: VKGL Data-share Consensus. Not counted in ClinVar's aggregate classification.